The following is an entry in ClinVar:

ClinVar aggregate classification (germline): Uncertain significance (1 of 4 stars; one submission).

Conditions:
Inborn genetic diseases. Identifiers: MedGen C0950123, MeSH D030342.

Submission:

Ambry Genetics
Classification: Uncertain significance for Inborn genetic diseases. Last evaluated: 2021-10-31. Review status: criteria provided, single submitter. Criteria: Ambry Variant Classification Scheme 2023. Collection method: clinical testing. Allele origin: germline.
Comment: The p.M38T variant (also known as c.113T>C), located in coding exon 2 of the BUB1B gene, results from a T to C substitution at nucleotide position 113. The methionine at codon 38 is replaced by threonine, an amino acid with similar properties. This amino acid position is conserved. In addition, this alteration is predicted to be tolerated by in silico analysis. Since supporting evidence is limited at this time, the clinical significance of this alteration remains unclear.

NM_001211.6(BUB1B):c.113T>C (p.Met38Thr)

Gene: BUB1B (BUB1 mitotic checkpoint serine/threonine kinase B; plus strand). Cytogenetic location: 15q15.1.
Variant type: single nucleotide variant.
Coding change: c.113T>C on transcript NM_001211.6 (MANE Select); coding-DNA position 113, T replaced by C.
Protein change: p.Met38Thr; replaces methionine 38 with threonine.
Molecular consequence: missense variant.
Genome position (GRCh38, 1-based): chr15:40,165,130, T>C. VCF-style: chr15-40165130-T-C. GRCh37 (hg19) VCF-style: chr15-40457331-T-C.
Other names: short protein forms M38T.
Identifiers: ClinVar variation 1730919 (VCV001730919.2), dbSNP rs2542508695, ClinGen allele CA391677128.
Genomic context (GRCh38, chr15:40,165,130, plus strand): 5'-AGGGAGATGAATGGGAACTGAGTAAAGAAAATGTACAACCTTTAAGGCAAGGGCGGATCA[T>C]GTCCACGCTTCAGGGAGCACTGGCACAAGAATCTGCCTGTAACAATACTCTTCAGCAGCA-3'
Protein context (NP_001202.5, residues 28-48): NVQPLRQGRI[Met38Thr]STLQGALAQE